The following is an entry in ClinVar:

ClinVar aggregate classification (germline): Uncertain significance (1 of 4 stars; one submission).

Conditions:
Deficiency of isobutyryl-CoA dehydrogenase. Also called: ACAD8 DEFICIENCY; IBD DEFICIENCY; ACYL-CoA DEHYDROGENASE FAMILY, MEMBER 8, DEFICIENCY OF. Identifiers: Orphanet 79159, MedGen C1969809, MONDO:0012648, OMIM 611283.

Allele frequency attached by ClinVar (database versions not stated): gnomAD exomes below 0.00001.
gnomAD v4.1: 5 of 1,613,832 alleles (0.00031%); highest among the groups gnomAD compares: Middle Eastern, 0.016%; no homozygotes.

Submission:

Labcorp Genetics (formerly Invitae), Labcorp
Classification: Uncertain significance for Deficiency of isobutyryl-CoA dehydrogenase. Last evaluated: 2022-08-16. Review status: criteria provided, single submitter. Criteria: Invitae Variant Classification Sherloc (09022015). Collection method: clinical testing. Allele origin: germline.
Comment: In summary, the available evidence is currently insufficient to determine the role of this variant in disease. Therefore, it has been classified as a Variant of Uncertain Significance. Advanced modeling of protein sequence and biophysical properties (such as structural, functional, and spatial information, amino acid conservation, physicochemical variation, residue mobility, and thermodynamic stability) performed at Invitae indicates that this missense variant is not expected to disrupt ACAD8 protein function. ClinVar contains an entry for this variant (Variation ID: 1498335). This variant has not been reported in the literature in individuals affected with ACAD8-related conditions. This variant is present in population databases (no rsID available, gnomAD 0.002%). This sequence change replaces lysine, which is basic and polar, with arginine, which is basic and polar, at codon 144 of the ACAD8 protein (p.Lys144Arg).

NM_014384.3(ACAD8):c.431A>G (p.Lys144Arg)

Gene: ACAD8 (acyl-CoA dehydrogenase family member 8; plus strand). Cytogenetic location: 11q25.
Variant type: single nucleotide variant.
Coding change: c.431A>G on transcript NM_014384.3 (MANE Select); coding-DNA position 431, A replaced by G.
Protein change: p.Lys144Arg; replaces lysine 144 with arginine.
Molecular consequence: missense variant.
Genome position (GRCh38, 1-based): chr11:134,258,565, A>G. VCF-style: chr11-134258565-A-G. GRCh37 (hg19) VCF-style: chr11-134128459-A-G.
Other names: short protein forms K144R.
Identifiers: ClinVar variation 1498335 (VCV001498335.6), dbSNP rs1301535598, ClinGen allele CA383515423.